The following is an entry in ClinVar:

ClinVar aggregate classification (germline): Uncertain significance. Review status: criteria provided, multiple submitters, no conflicts (2 of 4 stars). 3 submissions from 3 submitters: Uncertain significance (3). Last evaluated 2025-06-13.

Conditions:
Hereditary cancer-predisposing syndrome. Also called: Tumor predisposition; Hereditary Cancer Syndrome; Hereditary neoplastic syndrome; Neoplastic Syndromes, Hereditary. Identifiers: Orphanet 140162, MedGen C0027672, MeSH D009386, MONDO:0015356.
Gastrointestinal stromal tumor. Also called: Gastrointestinal stroma tumor; Gastrointestinal stromal tumor, somatic. Identifiers: Orphanet 44890, MedGen C0238198, MeSH D046152, MONDO:0011719, OMIM 606764, HP:0100723.
Polyps, multiple and recurrent inflammatory fibroid, gastrointestinal. Identifiers: MedGen C5193005, MONDO:0008285, OMIM 175510.

Submissions (3):

3billion
Classification: Uncertain significance for Polyps, multiple and recurrent inflammatory fibroid, gastrointestinal. Last evaluated: 2025-06-13. Review status: criteria provided, single submitter. Criteria: ACMG Guidelines, 2015. Collection method: clinical testing. Allele origin: germline. Affected: yes.
Comment: The variant is not observed in the gnomAD v4.1.0 dataset. Predicted Consequence/Location: Missense variant. Missense changes are a common disease-causing mechanism. The variant has been reported as of uncertain significance (ClinVar ID: VCV001408376). Therefore, this variant is classified as VUS according to the recommendation of ACMG/AMP guideline.

Ambry Genetics
Classification: Uncertain significance for Hereditary cancer-predisposing syndrome. Last evaluated: 2025-02-08. Review status: criteria provided, single submitter. Criteria: Ambry Variant Classification Scheme 2023. Collection method: clinical testing. Allele origin: germline.
Comment: The p.S692I variant (also known as c.2075G>T), located in coding exon 14 of the PDGFRA gene, results from a G to T substitution at nucleotide position 2075. The serine at codon 692 is replaced by isoleucine, an amino acid with dissimilar properties. This amino acid position is conserved. In addition, this alteration is predicted to be tolerated by in silico analysis. Based on the available evidence, the clinical significance of this variant remains unclear.

Labcorp Genetics (formerly Invitae), Labcorp
Classification: Uncertain significance for Gastrointestinal stromal tumor. Last evaluated: 2022-07-19. Review status: criteria provided, single submitter. Criteria: Invitae Variant Classification Sherloc (09022015). Collection method: clinical testing. Allele origin: germline.
Comment: This variant is not present in population databases (gnomAD no frequency). In summary, the available evidence is currently insufficient to determine the role of this variant in disease. Therefore, it has been classified as a Variant of Uncertain Significance. Algorithms developed to predict the effect of missense changes on protein structure and function are either unavailable or do not agree on the potential impact of this missense change (SIFT: "Deleterious"; PolyPhen-2: "Possibly Damaging"; Align-GVGD: "Class C0"). ClinVar contains an entry for this variant (Variation ID: 1408376). This variant has not been reported in the literature in individuals affected with PDGFRA-related conditions. This sequence change replaces serine, which is neutral and polar, with isoleucine, which is neutral and non-polar, at codon 692 of the PDGFRA protein (p.Ser692Ile).

NM_006206.6(PDGFRA):c.2075G>T (p.Ser692Ile)

Gene: PDGFRA (platelet derived growth factor receptor alpha; plus strand). Cytogenetic location: 4q12.
Variant type: single nucleotide variant.
Coding change: c.2075G>T on transcript NM_006206.6 (MANE Select); coding-DNA position 2075, G replaced by T.
Protein change: p.Ser692Ile; replaces serine 692 with isoleucine.
Molecular consequence: missense variant.
Genome position (GRCh38, 1-based): chr4:54,278,434, G>T. VCF-style: chr4-54278434-G-T. GRCh37 (hg19) VCF-style: chr4-55144601-G-T.
Other names: c.2075G>T, p.Ser692Ile (NM_001347827.2, NM_001347829.2); c.2150G>T, p.Ser717Ile (NM_001347828.2); c.2114G>T, p.Ser705Ile (NM_001347830.2); c.2075G>T (NM_006206.4); short protein forms S692I, S717I, S705I.
Identifiers: ClinVar variation 1408376 (VCV001408376.10), dbSNP rs371065167, ClinGen allele CA356893988.
Genomic context (GRCh38, chr4:54,278,434, plus strand): 5'-TCATCACAGAGTATTGCTTCTATGGAGATTTGGTCAACTATTTGCATAAGAATAGGGATA[G>T]CTTCCTGAGCCACCACCCAGAGAAGCCAAAGAAAGAGCTGGATATCTTTGGATTGAACCC-3'
Protein context (NP_006197.1, residues 682-702): LVNYLHKNRD[Ser692Ile]FLSHHPEKPK